The following is an entry in ClinVar:

NM_144997.7(FLCN):c.250-94_258delinsATTGCTGCAGGGCACCCGGGATATA

Gene: FLCN (folliculin; minus strand). Cytogenetic location: 17p11.2.
Variant type: Indel.
Coding change: c.250-94_258delinsATTGCTGCAGGGCACCCGGGATATA on transcript NM_144997.7 (MANE Select); 94 bases into the intron before coding-DNA position 250 through coding-DNA position 258, the reference bases replaced by ATTGCTGCAGGGCACCCGGGATATA.
Molecular consequence: splice acceptor variant.
Genome position (GRCh38, 1-based): chr17:17,226,314-17,226,416, 103 bases replaced. GRCh37 (hg19): chr17:17,129,628-17,129,730.
Other names: c.250-94_258delinsATTGCTGCAGGGCACCCGGGATATA (NM_001353231.2, NM_001353230.2, NM_001353229.2 and 1 more transcripts).
Identifiers: ClinVar variation 2673443 (VCV002673443.1), dbSNP rs2544284250, ClinGen allele CA2695201255.

ClinVar aggregate classification (germline): Likely pathogenic (1 of 4 stars; one submission).

Conditions:
Birt-Hogg-Dube syndrome. Also called: Birt Hogg Dubé syndrome. Identifiers: Orphanet 122, MedGen C0346010, MONDO:0800444.

Submission:

Myriad Genetics, Inc.
Classification: Likely pathogenic for Birt-Hogg-Dube syndrome 1. Last evaluated: 2023-07-06. Review status: criteria provided, single submitter. Criteria: Myriad Autosomal Dominant, Autosomal Recessive and X-Linked Classification Criteria (2023). Collection method: clinical testing. Allele origin: unknown.
Comment: This variant is considered likely pathogenic. This variant occurs within a consensus splice junction and is predicted to result in abnormal mRNA splicing of either an out-of-frame exon or an in-frame exon necessary for protein stability and/or normal function.